The following is an entry in ClinVar:

NM_001370259.2(MEN1):c.1333G>A (p.Gly445Ser)

Gene: MEN1 (menin 1; minus strand). Cytogenetic location: 11q13.1.
Variant type: single nucleotide variant.
Coding change: c.1333G>A on transcript NM_001370259.2 (MANE Select); coding-DNA position 1333, G replaced by A.
Protein change: p.Gly445Ser; replaces glycine 445 with serine.
Molecular consequence: missense variant. On other transcripts: non-coding transcript variant (4), intron variant (1).
Genome position (GRCh38, 1-based): chr11:64,805,051, C>T on the plus strand (G>A on the coding strand, the complement: MEN1 is on the minus strand). VCF-style: chr11-64805051-C-T. GRCh37 (hg19) VCF-style: chr11-64572523-C-T.
Other names: c.1348G>A, p.Gly450Ser (NM_000244.4, NM_001407145.1, NM_130800.3 and 4 more transcripts); c.1459G>A, p.Gly487Ser (NM_001370251.2, NM_001407142.1, NM_001407143.1 and 1 more transcripts); c.1333G>A, p.Gly445Ser (NM_001370260.2, NM_001370261.2, NM_001407146.1 and 2 more transcripts); c.1228G>A, p.Gly410Ser (NM_001370262.2, NM_001370263.2, NM_001407148.1 and 1 more transcripts); c.1474G>A, p.Gly492Ser (NM_001407150.1); c.1354G>A, p.Gly452Ser (NM_001407151.1); c.1186-235G>A (NM_001407152.1); short protein forms G452S, G492S, G445S, G410S, G450S, G487S.
Identifiers: ClinVar variation 2954627 (VCV002954627.4), dbSNP rs1555164153, ClinGen allele CA381180115.

ClinVar aggregate classification (germline): Uncertain significance. Review status: criteria provided, multiple submitters, no conflicts (2 of 4 stars). 2 submissions from 2 submitters: Uncertain significance (2). Last evaluated 2024-08-19.

Conditions:
Hereditary cancer-predisposing syndrome. Also called: Tumor predisposition; Hereditary Cancer Syndrome; Neoplastic Syndromes, Hereditary; Hereditary neoplastic syndrome. Identifiers: Orphanet 140162, MedGen C0027672, MeSH D009386, MONDO:0015356.
Multiple endocrine neoplasia, type 1 (MEN1). Also called: MEA I; MEN I; WERMER SYNDROME; Endocrine adenomatosis multiple; MEN 1. Identifiers: Orphanet 652, MedGen C0025267, MeSH D018761, MONDO:0007540, OMIM 131100.

Submissions (2):

Ambry Genetics
Classification: Uncertain significance for Hereditary cancer-predisposing syndrome. Last evaluated: 2024-08-19. Review status: criteria provided, single submitter. Criteria: Ambry Variant Classification Scheme 2023. Collection method: clinical testing. Allele origin: germline.
Comment: The p.G445S variant (also known as c.1333G>A), located in coding exon 8 of the MEN1 gene, results from a G to A substitution at nucleotide position 1333. The glycine at codon 445 is replaced by serine, an amino acid with similar properties. This amino acid position is conserved. In addition, the in silico prediction for this alteration is inconclusive. Based on the available evidence, the clinical significance of this variant remains unclear.

Labcorp Genetics (formerly Invitae), Labcorp
Classification: Uncertain significance for Multiple endocrine neoplasia, type 1. Last evaluated: 2023-08-30. Review status: criteria provided, single submitter. Criteria: Invitae Variant Classification Sherloc (09022015). Collection method: clinical testing. Allele origin: germline.
Comment: This variant is not present in population databases (gnomAD no frequency). This variant has not been reported in the literature in individuals affected with MEN1-related conditions. Advanced modeling of protein sequence and biophysical properties (such as structural, functional, and spatial information, amino acid conservation, physicochemical variation, residue mobility, and thermodynamic stability) has been performed at Invitae for this missense variant, however the output from this modeling did not meet the statistical confidence thresholds required to predict the impact of this variant on MEN1 protein function. In summary, the available evidence is currently insufficient to determine the role of this variant in disease. Therefore, it has been classified as a Variant of Uncertain Significance. This sequence change replaces glycine, which is neutral and non-polar, with serine, which is neutral and polar, at codon 445 of the MEN1 protein (p.Gly445Ser).